The following is an entry in ClinVar:

ClinVar aggregate classification (germline): Uncertain significance. Review status: criteria provided, multiple submitters, no conflicts (2 of 4 stars). 3 submissions from 3 submitters: Uncertain significance (3). Last evaluated 2026-07-10.

Conditions:
Inborn genetic diseases. Identifiers: MedGen C0950123, MeSH D030342.

Allele frequency attached by ClinVar (database versions not stated): gnomAD 0.00008 and 0.00007; TOPMed 0.00009; gnomAD exomes 0.00011.
gnomAD v4.1: 118 of 1,078,194 alleles (0.011%); highest among the groups gnomAD compares: Non-Finnish European, 0.013%; no homozygotes.

Submissions (3):

GeneDx
Classification: Uncertain significance. Last evaluated: 2026-07-10. Review status: criteria provided, single submitter. Criteria: GeneDx Variant Classification Process June 2021. Collection method: clinical testing. Allele origin: germline.
Comment: In silico analysis suggests that this missense variant does not alter protein structure/function; Has not been previously published as pathogenic or benign to our knowledge

Ambry Genetics
Classification: Uncertain significance for Inborn genetic diseases. Last evaluated: 2024-11-19. Review status: criteria provided, single submitter. Criteria: Ambry Variant Classification Scheme 2023. Collection method: clinical testing. Allele origin: germline.

Labcorp Genetics (formerly Invitae), Labcorp
Classification: Uncertain significance. Last evaluated: 2022-09-27. Review status: criteria provided, single submitter. Criteria: Invitae Variant Classification Sherloc (09022015). Collection method: clinical testing. Allele origin: germline.
Comment: This variant has not been reported in the literature in individuals affected with TPRN-related conditions. This sequence change replaces alanine, which is neutral and non-polar, with valine, which is neutral and non-polar, at codon 112 of the TPRN protein (p.Ala112Val). The frequency data for this variant in the population databases is considered unreliable, as metrics indicate poor data quality at this position in the gnomAD database. ClinVar contains an entry for this variant (Variation ID: 1187226). Algorithms developed to predict the effect of missense changes on protein structure and function (SIFT, PolyPhen-2, Align-GVGD) all suggest that this variant is likely to be tolerated. In summary, the available evidence is currently insufficient to determine the role of this variant in disease. Therefore, it has been classified as a Variant of Uncertain Significance.

NM_001128228.3(TPRN):c.335C>T (p.Ala112Val)

Genes: TPRN (taperin; minus strand), LOC130003092 (ATAC-STARR-seq lymphoblastoid silent region 20589; plus strand). Cytogenetic location: 9q34.3.
Variant type: single nucleotide variant.
Coding change: c.335C>T on transcript NM_001128228.3 (MANE Select); coding-DNA position 335, C replaced by T.
Protein change: p.Ala112Val; replaces alanine 112 with valine.
Molecular consequence: missense variant.
Genome position (GRCh38, 1-based): chr9:137,200,377, G>A on the plus strand (C>T on the coding strand, the complement: TPRN is on the minus strand). VCF-style: chr9-137200377-G-A. GRCh37 (hg19) VCF-style: chr9-140094829-G-A.
Other names: short protein forms A112V.
Identifiers: ClinVar variation 1187226 (VCV001187226.16), dbSNP rs907194576, ClinGen allele CA201721394.
Genomic context (GRCh38, chr9:137,200,377, plus strand): 5'-CGGCCGGGCGGCGCCCCGTACACCAGCACCTCGGCGGCGCGGATCTGCGCGGCCCCCGGG[G>A]CGGGCGGCGCGGGCGGGAAGCCGGGCACCGTCTCGATGATGAGGACGCTGTCGGCGCGGA-3'
Protein context (NP_001121700.2, residues 102-122): TVPGFPPAPP[Ala112Val]PGAAQIRAAE